The following is an entry in ClinVar:

ClinVar aggregate classification (germline): Uncertain significance (1 of 4 stars; one submission).

Conditions:
EGFR-related lung cancer (EGFR). Identifiers: MedGen CN130014.

gnomAD v4.1: 1 of 1,614,174 alleles (0.000062%); highest among the groups gnomAD compares: South Asian, 0.0011%; no homozygotes.

Submission:

Labcorp Genetics (formerly Invitae), Labcorp
Classification: Uncertain significance for EGFR-related lung cancer. Last evaluated: 2025-12-08. Review status: criteria provided, single submitter. Criteria: Invitae Variant Classification Sherloc (09022015). Collection method: clinical testing. Allele origin: germline.
Comment: This sequence change replaces aspartic acid, which is acidic and polar, with asparagine, which is neutral and polar, at codon 612 of the EGFR protein (p.Asp612Asn). This variant is present in population databases (no rsID available, gnomAD 0.003%). This variant has not been reported in the literature in individuals affected with EGFR-related conditions. Invitae Evidence Modeling of protein sequence and biophysical properties (such as structural, functional, and spatial information, amino acid conservation, physicochemical variation, residue mobility, and thermodynamic stability) indicates that this missense variant is not expected to disrupt EGFR protein function with a negative predictive value of 80%. In summary, the available evidence is currently insufficient to determine the role of this variant in disease. Therefore, it has been classified as a Variant of Uncertain Significance.

NM_005228.5(EGFR):c.1834G>A (p.Asp612Asn)

Gene: EGFR (epidermal growth factor receptor; plus strand). Cytogenetic location: 7p11.2.
Variant type: single nucleotide variant.
Coding change: c.1834G>A on transcript NM_005228.5 (MANE Select); coding-DNA position 1834, G replaced by A.
Protein change: p.Asp612Asn; replaces aspartic acid 612 with asparagine.
Molecular consequence: missense variant.
Genome position (GRCh38, 1-based): chr7:55,165,391, G>A. VCF-style: chr7-55165391-G-A. GRCh37 (hg19) VCF-style: chr7-55233084-G-A.
Other names: c.1699G>A, p.Asp567Asn (NM_001346897.2, NM_001346899.2); c.1834G>A, p.Asp612Asn (NM_001346898.2, NM_201282.2, NM_201284.2); c.1675G>A, p.Asp559Asn (NM_001346900.2); c.1033G>A, p.Asp345Asn (NM_001346941.2); short protein forms D345N, D559N, D567N, D612N.
Identifiers: ClinVar variation 4742219 (VCV004742219.1).
Genomic context (GRCh38, chr7:55,165,391, plus strand): 5'-GTCAAGACCTGCCCGGCAGGAGTCATGGGAGAAAACAACACCCTGGTCTGGAAGTACGCA[G>A]ACGCCGGCCATGTGTGCCACCTGTGCCATCCAAACTGCACCTACGGGTGAGTGGAAAGTG-3'
Protein context (NP_005219.2, residues 602-622): ENNTLVWKYA[Asp612Asn]AGHVCHLCHP